The following is an entry in ClinVar:

ClinVar aggregate classification (germline): Likely pathogenic (1 of 4 stars; one submission).

Conditions:
Emery-Dreifuss muscular dystrophy 4, autosomal dominant (EDMD4). Also called: EMERY-DREIFUSS MUSCULAR DYSTROPHY 4 WITH VARIABLE FEATURES. Identifiers: Orphanet 261, MedGen C2751807, MONDO:0013071, OMIM 612998.
Autosomal recessive ataxia, Beauce type. Also called: SYNE1 Deficiency; Spinocerebellar ataxia, autosomal recessive 8; ATAXIA, RECESSIVE, OF BEAUCE; SYNE1-Related Autosomal Recessive Cerebellar Ataxia. Identifiers: Orphanet 88644, MedGen C1853116, MONDO:0012549, OMIM 610743.
Arthrogryposis multiplex congenita 3, myogenic type. Also called: ARTHROGRYPOSIS MULTIPLEX CONGENITA, MYOGENIC TYPE. Identifiers: MedGen C5193121, MONDO:0032778, OMIM 618484.

Submission:

Juno Genomics, Hangzhou Juno Genomics, Inc
Classification: Likely pathogenic for Arthrogryposis multiplex congenita 3, myogenic type; Emery-Dreifuss muscular dystrophy 4, autosomal dominant; Autosomal recessive ataxia, Beauce type. Review status: criteria provided, single submitter. Criteria: ACMG Guidelines, 2015. Collection method: clinical testing. Allele origin: germline. Affected: yes.
Comment: Null variant in a gene where loss of function (LOF) is a known mechanism of disease.;Absent from controls (or at extremely low frequency if recessive) in Genome Aggregation Database, Exome Sequencing Project, 1000 Genomes Project, or Exome Aggregation Consortium.

NM_182961.4(SYNE1):c.15438+2T>C

Gene: SYNE1 (spectrin repeat containing nuclear envelope protein 1; minus strand). Cytogenetic location: 6q25.2.
Variant type: single nucleotide variant.
Coding change: c.15438+2T>C on transcript NM_182961.4 (MANE Select); the canonical splice donor site of the intron after coding-DNA position 15438, T replaced by C.
Molecular consequence: splice donor variant.
Genome position (GRCh38, 1-based): chr6:152,325,956, A>G on the plus strand (T>C on the coding strand, the complement: SYNE1 is on the minus strand). VCF-style: chr6-152325956-A-G. GRCh37 (hg19) VCF-style: chr6-152647091-A-G.
Other names: c.15225+2T>C (NM_033071.5).
Identifiers: ClinVar variation 3383018 (VCV003383018.2).